The following is an entry in ClinVar:

NC_000016.9:g.(?_21689836)_(21693166_?)dup

Gene: OTOA (otoancorin). Cytogenetic location: 16p12.2.
Variant type: Duplication.
Identifiers: ClinVar variation 1449998 (VCV001449998.4).

ClinVar aggregate classification (germline): Uncertain significance (1 of 4 stars; one submission).

Submission:

Labcorp Genetics (formerly Invitae), Labcorp
Classification: Uncertain significance. Last evaluated: 2021-01-09. Review status: criteria provided, single submitter. Criteria: Invitae Variant Classification Sherloc (09022015). Collection method: clinical testing. Allele origin: germline.
Comment: In summary, the available evidence is currently insufficient to determine the role of this variant in disease. Therefore, it has been classified as a Variant of Uncertain Significance. Experimental studies and prediction algorithms are not available or were not evaluated, and the functional significance of this variant is currently unknown. This variant has not been reported in the literature in individuals with OTOA-related conditions. This variant results in a copy number gain of the genomic region encompassing exon(s) 1-5 of the OTOA gene. This region includes the initiator codon of the gene. The 5' end of this event is unknown as it extends beyond the assayed region for this gene and therefore may encompass additional genes. The 3' boundary is likely confined to intron 5 of the OTOA gene. As the precise location of this event is unknown, it may be in tandem or it may be located elsewhere in the genome.